The following is an entry in ClinVar:

NM_001001433.3(STX16):c.119G>A (p.Arg40His)

Genes: STX16 (syntaxin 16; plus strand), STX16-NPEPL1 (STX16-NPEPL1 readthrough (NMD candidate); plus strand). Cytogenetic location: 20q13.32.
Variant type: single nucleotide variant.
Coding change: c.119G>A on transcript NM_001001433.3 (MANE Select); coding-DNA position 119, G replaced by A.
Protein change: p.Arg40His; replaces arginine 40 with histidine.
Molecular consequence: missense variant. On other transcripts: non-coding transcript variant (2), 5 prime UTR variant (1), intron variant (2).
Genome position (GRCh38, 1-based): chr20:58,652,125, G>A. VCF-style: chr20-58652125-G-A. GRCh37 (hg19) VCF-style: chr20-57227181-G-A.
Other names: c.119G>A, p.Arg40His (NM_001134772.3); c.-41G>A (NM_001204868.2); c.81+38G>A (NM_001134773.3, NM_003763.6); c.119G>A (NM_001001433.2); short protein forms R40H.
Identifiers: ClinVar variation 3624181 (VCV003624181.3).

ClinVar aggregate classification (germline): Uncertain significance. Review status: criteria provided, multiple submitters, no conflicts (2 of 4 stars). 2 submissions from 2 submitters: Uncertain significance (2). Last evaluated 2025-12-15.

Conditions:
Inborn genetic diseases. Identifiers: MedGen C0950123, MeSH D030342.

gnomAD v4.1: 16 of 1,613,846 alleles (0.00099%); highest among the groups gnomAD compares: Admixed American, 0.0033%; no homozygotes.

Submissions (2):

Labcorp Genetics (formerly Invitae), Labcorp
Classification: Uncertain significance. Last evaluated: 2025-12-15. Review status: criteria provided, single submitter. Criteria: Invitae Variant Classification Sherloc (09022015). Collection method: clinical testing. Allele origin: germline.
Comment: This sequence change replaces arginine, which is basic and polar, with histidine, which is basic and polar, at codon 40 of the STX16 protein (p.Arg40His). This variant is present in population databases (no rsID available, gnomAD 0.004%). This variant has not been reported in the literature in individuals affected with STX16-related conditions. ClinVar contains an entry for this variant (Variation ID: 3624181). An algorithm developed to predict the effect of missense changes on protein structure and function (PolyPhen-2) suggests that this variant is likely to be disruptive. In summary, the available evidence is currently insufficient to determine the role of this variant in disease. Therefore, it has been classified as a Variant of Uncertain Significance.

Ambry Genetics
Classification: Uncertain significance for Inborn genetic diseases. Last evaluated: 2025-11-03. Review status: criteria provided, single submitter. Criteria: Ambry Variant Classification Scheme 2023. Collection method: clinical testing. Allele origin: germline.